The following is an entry in ClinVar:

NM_017780.4(CHD7):c.1105C>G (p.Pro369Ala)

Gene: CHD7 (chromodomain helicase DNA binding protein 7; plus strand). Cytogenetic location: 8q12.2.
Variant type: single nucleotide variant.
Coding change: c.1105C>G on transcript NM_017780.4 (MANE Select); coding-DNA position 1105, C replaced by G.
Protein change: p.Pro369Ala; replaces proline 369 with alanine.
Molecular consequence: missense variant.
Genome position (GRCh38, 1-based): chr8:60,742,537, C>G. VCF-style: chr8-60742537-C-G. GRCh37 (hg19) VCF-style: chr8-61655096-C-G.
Other names: c.1105C>G (NM_017780.2); c.1105C>G, p.Pro369Ala (NM_001316690.1); short protein forms P369A.
Identifiers: ClinVar variation 1447688 (VCV001447688.35), dbSNP rs766747354, ClinGen allele CA4759432.

ClinVar aggregate classification (germline): Conflicting classifications of pathogenicity. Review status: criteria provided, conflicting classifications (1 of 4 stars). 3 submissions from 3 submitters: Uncertain significance (1); Likely benign (2). Last evaluated 2026-01-13.

Conditions:
CHARGE syndrome (CHARGE). Also called: Coloboma, heart anomaly, choanal atresia, retardation, genital and ear anomalies; CHARGE association; Hall-Hittner syndrome; Hittner Hirsch Kreh syndrome; CHARGE ASSOCIATION--COLOBOMA, HEART ANOMALY, CHOANAL ATRESIA, RETARDATION, GENITAL AND EAR ANOMALIES. Identifiers: Orphanet 138, MedGen C0265354, MONDO:0008965.

Allele frequency attached by ClinVar (database versions not stated): gnomAD 0.00001.
gnomAD v4.1: 181 of 1,613,872 alleles (0.011%); highest among the groups gnomAD compares: Middle Eastern, 0.016%; no homozygotes.

Submissions (3):

Labcorp Genetics (formerly Invitae), Labcorp
Classification: Likely benign for CHARGE syndrome. Last evaluated: 2026-01-13. Review status: criteria provided, single submitter. Criteria: Invitae Variant Classification Sherloc (09022015). Collection method: clinical testing. Allele origin: germline.

GeneDx
Classification: Uncertain significance. Last evaluated: 2024-12-19. Review status: criteria provided, single submitter. Criteria: GeneDx Variant Classification Process June 2021. Collection method: clinical testing. Allele origin: germline. Affected: yes.
Comment: Reported in an individual with Kallman syndrome, however specific clinical information was not provided (PMID: 29419413); In silico analysis supports that this missense variant has a deleterious effect on protein structure/function; This variant is associated with the following publications: (PMID: 27527004, 21158681, 29419413)

CeGaT Center for Human Genetics Tuebingen
Classification: Likely benign. Last evaluated: 2023-04-01. Review status: criteria provided, single submitter. Criteria: CeGaT Center For Human Genetics Tuebingen Variant Classification Criteria Version 2. Collection method: clinical testing. Allele origin: germline. Affected: yes. Observed: 1 variant allele.
Comment: CHD7: BP4